The following is an entry in ClinVar:

ClinVar aggregate classification (germline): Uncertain significance (1 of 4 stars; one submission).

Conditions:
Dilated cardiomyopathy 1JJ (CMD1JJ). Identifiers: Orphanet 154, MedGen C3808935, MONDO:0014095, OMIM 615235.

Submission:

Labcorp Genetics (formerly Invitae), Labcorp
Classification: Uncertain significance for Dilated cardiomyopathy 1JJ. Last evaluated: 2024-04-29. Review status: criteria provided, single submitter. Criteria: Invitae Variant Classification Sherloc (09022015). Collection method: clinical testing. Allele origin: germline.
Comment: This sequence change creates a premature translational stop signal (p.Arg1495Leufs*6) in the LAMA4 gene. It is expected to result in an absent or disrupted protein product. However, the current clinical and genetic evidence is not sufficient to establish whether loss-of-function variants in LAMA4 cause disease. This variant is not present in population databases (gnomAD no frequency). This variant has not been reported in the literature in individuals affected with LAMA4-related conditions. ClinVar contains an entry for this variant (Variation ID: 1427762). In summary, the available evidence is currently insufficient to determine the role of this variant in disease. Therefore, it has been classified as a Variant of Uncertain Significance.

NM_001105206.3(LAMA4):c.4505del (p.Arg1502fs)

Gene: LAMA4 (laminin subunit alpha 4; minus strand). Cytogenetic location: 6q21.
Variant type: Deletion.
Coding change: c.4505del on transcript NM_001105206.3 (MANE Select); coding-DNA position 4505, one base deleted (G; older notation c.4505delG).
Protein change: p.Arg1502fs; shifts the reading frame from arginine 1502.
Molecular consequence: frameshift variant.
Genome position (GRCh38, 1-based): chr6:112,120,443, C deleted on the plus strand (G on the coding strand, the reverse complement: LAMA4 is on the minus strand). VCF-style (leftmost placement, unchanged base first): chr6-112120442-AC-A. GRCh37 (hg19) VCF-style: chr6-112441645-AC-A.
Other names: c.4484del, p.Arg1495fs (NM_001105207.3, NM_002290.5); short protein forms R1495fs, R1502fs.
Identifiers: ClinVar variation 1427762 (VCV001427762.6), dbSNP rs2114590834, ClinGen allele CA2573140404.